The following is an entry in ClinVar:

ClinVar aggregate classification (germline): Conflicting classifications of pathogenicity. Review status: criteria provided, conflicting classifications (1 of 4 stars). 3 submissions from 3 submitters: Uncertain significance (1); Likely benign (1). 1 of the submissions does not count toward it. Last evaluated 2026-09-01.

Conditions:
ZFHX2-related disorder. Also called: ZFHX2-related condition.

Allele frequency attached by ClinVar (database versions not stated): ExAC 0.00015; 1000 Genomes Project 30x 0.00016; TOPMed 0.00055; gnomAD 0.00058; gnomAD exomes 0.00077.
gnomAD v4.1: 1,137 of 1,535,974 alleles (0.074%); highest among the groups gnomAD compares: Non-Finnish European, 0.094%; no homozygotes.

Submissions (3):

CeGaT Center for Human Genetics Tuebingen
Classification: Likely benign. Last evaluated: 2026-09-01. Review status: criteria provided, single submitter. Criteria: CeGaT Center For Human Genetics Tuebingen Variant Classification Criteria Version 2. Collection method: clinical testing. Allele origin: germline. Affected: yes. Observed: 5 variant alleles.
Comment: ZFHX2: BS2

Women's Health and Genetics/Laboratory Corporation of America, LabCorp
Classification: Uncertain significance. Last evaluated: 2026-06-11. Review status: criteria provided, single submitter. Criteria: LabCorp Variant Classification Summary - May 2015. Collection method: clinical testing. Allele origin: germline.
Comment: Variant summary: ZFHX2 c.1841G>A (p.Gly614Glu) results in a non-conservative amino acid change in the encoded protein sequence. Algorithms developed to predict the effect of missense changes on protein structure and function are either unavailable or do not agree on the potential impact of this missense change. The variant allele was found at a frequency of 0.00035 in 136432 control chromosomes. This frequency is not significantly higher than estimated for disease-causing variants in ZFHX2, allowing no conclusion about variant significance. To our knowledge, no occurrence of c.1841G>A in individuals affected with ZFHX2-related conditions and no experimental evidence demonstrating its impact on protein function have been reported. ClinVar contains an entry for this variant (Variation ID: 2644120). Based on the evidence outlined above, the variant was classified as uncertain significance.

PreventionGenetics, part of Exact Sciences
Classification: Likely benign for ZFHX2-related condition. Last evaluated: 2022-02-15. Review status: no assertion criteria provided. Collection method: clinical testing. Allele origin: germline. Not counted in ClinVar's aggregate classification.
Comment: This variant is classified as likely benign based on ACMG/AMP sequence variant interpretation guidelines (Richards et al. 2015 PMID: 25741868, with internal and published modifications).

NM_033400.3(ZFHX2):c.1841G>A (p.Gly614Glu)

Genes: THTPA (thiamine triphosphatase; plus strand), ZFHX2 (zinc finger homeobox 2; minus strand). Cytogenetic location: 14q11.2.
Variant type: single nucleotide variant.
Coding change: c.1841G>A on transcript NM_033400.3 (MANE Select); coding-DNA position 1841, G replaced by A.
Protein change: p.Gly614Glu; replaces glycine 614 with glutamic acid.
Molecular consequence: missense variant.
Genome position (GRCh38, 1-based): chr14:23,533,485, C>T on the plus strand (G>A on the coding strand, the complement: ZFHX2 is on the minus strand). VCF-style: chr14-23533485-C-T. GRCh37 (hg19) VCF-style: chr14-24002694-C-T.
Other names: short protein forms G614E.
Identifiers: ClinVar variation 2644120 (VCV002644120.26), dbSNP rs763203987, ClinGen allele CA7117097.